The following is an entry in ClinVar:

ClinVar aggregate classification (germline): Uncertain significance (1 of 4 stars; one submission).

gnomAD v4.1: 2 of 1,614,030 alleles (0.00012%); highest among the groups gnomAD compares: Admixed American, 0.0017%; no homozygotes.

Submission:

Labcorp Genetics (formerly Invitae), Labcorp
Classification: Uncertain significance. Last evaluated: 2023-01-06. Review status: criteria provided, single submitter. Criteria: Invitae Variant Classification Sherloc (09022015). Collection method: clinical testing. Allele origin: germline.
Comment: In summary, the available evidence is currently insufficient to determine the role of this variant in disease. Therefore, it has been classified as a Variant of Uncertain Significance. Advanced modeling of protein sequence and biophysical properties (such as structural, functional, and spatial information, amino acid conservation, physicochemical variation, residue mobility, and thermodynamic stability) performed at Invitae indicates that this missense variant is expected to disrupt EMC1 protein function. This variant has not been reported in the literature in individuals affected with EMC1-related conditions. This variant is present in population databases (no rsID available, gnomAD 0.003%). This sequence change replaces arginine, which is basic and polar, with proline, which is neutral and non-polar, at codon 420 of the EMC1 protein (p.Arg420Pro).

NM_015047.3(EMC1):c.1259G>C (p.Arg420Pro)

Genes: EMC1 (ER membrane protein complex subunit 1; minus strand), EMC1-AS1 (EMC1 antisense RNA 1; plus strand). Cytogenetic location: 1p36.13.
Variant type: single nucleotide variant.
Coding change: c.1259G>C on transcript NM_015047.3 (MANE Select); coding-DNA position 1259, G replaced by C.
Protein change: p.Arg420Pro; replaces arginine 420 with proline.
Molecular consequence: missense variant.
Genome position (GRCh38, 1-based): chr1:19,237,192, C>G on the plus strand (G>C on the coding strand, the complement: EMC1 is on the minus strand). VCF-style: chr1-19237192-C-G. GRCh37 (hg19) VCF-style: chr1-19563686-C-G.
Other names: c.1256G>C, p.Arg419Pro (NM_001271427.2, NM_001375821.1); c.1259G>C, p.Arg420Pro (NM_001271428.2, NM_001375820.1); c.1193G>C, p.Arg398Pro (NM_001271429.2); short protein forms R398P, R419P, R420P.
Identifiers: ClinVar variation 2824877 (VCV002824877.3), dbSNP rs747400495, ClinGen allele CA338765547.